The following is an entry in ClinVar:

ClinVar aggregate classification (germline): Uncertain significance. Review status: criteria provided, multiple submitters, no conflicts (2 of 4 stars). 4 submissions from 4 submitters: Uncertain significance (4). Last evaluated 2024-05-12.

Conditions:
Complement component 5 deficiency. Also called: C5 DEFICIENCY. Identifiers: MedGen C0343047, MONDO:0012295, OMIM 609536.
Eculizumab, poor response to. Identifiers: MedGen C3810402, OMIM 615749.

Allele frequency attached by ClinVar (database versions not stated): gnomAD exomes 0.00005; TOPMed 0.00005; ExAC 0.00007; gnomAD 0.00007 and 0.00008.
gnomAD v4.1: 67 of 1,613,494 alleles (0.0042%); highest among the groups gnomAD compares: African/African-American, 0.008%; no homozygotes.

Submissions (4):

Ambry Genetics
Classification: Uncertain significance. Last evaluated: 2024-05-12. Review status: criteria provided, single submitter. Criteria: Ambry Variant Classification Scheme 2023. Collection method: clinical testing. Allele origin: germline.

Labcorp Genetics (formerly Invitae), Labcorp
Classification: Uncertain significance. Last evaluated: 2022-08-25. Review status: criteria provided, single submitter. Criteria: Invitae Variant Classification Sherloc (09022015). Collection method: clinical testing. Allele origin: germline.
Comment: This sequence change replaces glutamic acid, which is acidic and polar, with lysine, which is basic and polar, at codon 1669 of the C5 protein (p.Glu1669Lys). This variant is present in population databases (rs758052311, gnomAD 0.008%). This variant has not been reported in the literature in individuals affected with C5-related conditions. ClinVar contains an entry for this variant (Variation ID: 1421436). Algorithms developed to predict the effect of missense changes on protein structure and function (SIFT, PolyPhen-2, Align-GVGD) all suggest that this variant is likely to be tolerated. Algorithms developed to predict the effect of sequence changes on RNA splicing suggest that this variant may disrupt the consensus splice site. In summary, the available evidence is currently insufficient to determine the role of this variant in disease. Therefore, it has been classified as a Variant of Uncertain Significance.

Blueprint Genetics
Classification: Uncertain significance. Last evaluated: 2022-07-17. Review status: criteria provided, single submitter. Criteria: ACMG Guidelines, 2015. Collection method: clinical testing. Allele origin: germline.

Fulgent Genetics
Classification: Uncertain significance for Complement component 5 deficiency; Eculizumab, poor response to. Last evaluated: 2021-07-07. Review status: criteria provided, single submitter. Criteria: ACMG Guidelines, 2015. Collection method: clinical testing. Allele origin: unknown.

NM_001735.3(C5):c.5005G>A (p.Glu1669Lys)

Genes: C5 (complement C5; minus strand), C5-OT1 (C5 3' UTR overlapping transcript 1; minus strand). Cytogenetic location: 9q33.2.
Variant type: single nucleotide variant.
Coding change: c.5005G>A on transcript NM_001735.3 (MANE Select); coding-DNA position 5005, G replaced by A.
Protein change: p.Glu1669Lys; replaces glutamic acid 1669 with lysine.
Molecular consequence: missense variant. On other transcripts: non-coding transcript variant (1).
Genome position (GRCh38, 1-based): chr9:120,952,765, C>T on the plus strand (G>A on the coding strand, the complement: C5 is on the minus strand). VCF-style: chr9-120952765-C-T. GRCh37 (hg19) VCF-style: chr9-123715043-C-T.
Other names: c.5023G>A, p.Glu1675Lys (NM_001317163.2); short protein forms E1675K, E1669K.
Identifiers: ClinVar variation 1421436 (VCV001421436.8), dbSNP rs758052311, ClinGen allele CA5216999.
Genomic context (GRCh38, chr9:120,952,765, plus strand): 5'-AGTGCAAACTGTATGCAGCTGAACTTCAGGAATTTTAGCATCCATTTAAAAAGATATCTT[C>T]GGCAAATTCATCTAAATTAGCTAAAAATGCTTGACACGATGAACATGTTGTGTCTCTAGG-3'
Protein context (NP_001726.2, residues 1659-1676): AFLANLDEFA[Glu1669Lys]DIFLNGC